The following is an entry in ClinVar:

NM_017777.4(MKS1):c.1120C>T (p.Pro374Ser)

Gene: MKS1 (MKS transition zone complex subunit 1; minus strand). Cytogenetic location: 17q22.
Variant type: single nucleotide variant.
Coding change: c.1120C>T on transcript NM_017777.4 (MANE Select); coding-DNA position 1120, C replaced by T.
Protein change: p.Pro374Ser; replaces proline 374 with serine.
Molecular consequence: missense variant.
Genome position (GRCh38, 1-based): chr17:58,208,150, G>A on the plus strand (C>T on the coding strand, the complement: MKS1 is on the minus strand). VCF-style: chr17-58208150-G-A. GRCh37 (hg19) VCF-style: chr17-56285511-G-A.
Other names: c.1120C>T (NM_017777.3); c.511C>T, p.Pro171Ser (NM_001321268.2); c.1120C>T, p.Pro374Ser (NM_001321269.2, NM_001330397.2); short protein forms P374S, P171S.
Identifiers: ClinVar variation 289947 (VCV000289947.6), dbSNP rs886044314, ClinGen allele CA10606605.

ClinVar aggregate classification (germline): Uncertain significance. Review status: criteria provided, multiple submitters, no conflicts (2 of 4 stars). 2 submissions from 2 submitters: Uncertain significance (2). Last evaluated 2026-07-15.

Conditions:
MKS1-related disorder. Also called: MKS1-related condition; MKS1-related disorders. Identifiers: MedGen CN239382.

Submissions (2):

PreventionGenetics, part of Exact Sciences
Classification: Uncertain significance for MKS1-related condition. Last evaluated: 2026-07-15. Review status: criteria provided, single submitter. Criteria: ACMG Guidelines, 2015. Collection method: clinical testing. Allele origin: germline.
Comment: The MKS1 c.1120C>T variant is predicted to result in the amino acid substitution p.Pro374Ser. To our knowledge, this variant has not been reported in the literature or in a large population database (gnomAD), indicating this variant is rare. At this time, the clinical significance of this variant is uncertain due to the absence of conclusive functional and genetic evidence.

Eurofins Ntd Llc (ga)
Classification: Uncertain significance. Last evaluated: 2016-08-26. Review status: criteria provided, single submitter. Criteria: EGL Classification Definitions 2015. Collection method: clinical testing. Allele origin: germline. Observed: 2 variant alleles, 2 heterozygotes.